The following is an entry in ClinVar:

NM_006158.5(NEFL):c.1275C>T (p.Gly425=)

Gene: NEFL (neurofilament light chain; minus strand). Cytogenetic location: 8p21.2.
Variant type: single nucleotide variant.
Coding change: c.1275C>T on transcript NM_006158.5 (MANE Select); coding-DNA position 1275, C replaced by T.
Protein change: p.Gly425=; no amino-acid change (glycine 425 retained).
Molecular consequence: synonymous variant.
Genome position (GRCh38, 1-based): chr8:24,953,690, G>A on the plus strand (C>T on the coding strand, the complement: NEFL is on the minus strand). VCF-style: chr8-24953690-G-A. GRCh37 (hg19) VCF-style: chr8-24811204-G-A.
Other names: p.Gly425=.
Identifiers: ClinVar variation 386862 (VCV000386862.20), dbSNP rs114329068, ClinGen allele CA4681303.

ClinVar aggregate classification (germline): Benign/Likely benign. Review status: criteria provided, multiple submitters, no conflicts (2 of 4 stars). 6 submissions from 6 submitters: Benign (4); Likely benign (2). Last evaluated 2026-01-06.

Conditions:
NEFL-related disorder. Also called: NEFL-related condition.
Charcot-Marie-Tooth disease type 2E (CMT2E). Also called: CHARCOT-MARIE-TOOTH DISEASE, AXONAL, TYPE 2E; CHARCOT-MARIE-TOOTH NEUROPATHY, TYPE 2E. Identifiers: Orphanet 99939, MedGen C1843225, MONDO:0011894, OMIM 607684.

Allele frequency attached by ClinVar (database versions not stated): gnomAD exomes 0.00089; ExAC 0.00117; gnomAD 0.00360 and 0.00395; ESP Exome Variant Server 0.00368; 1000 Genomes Project 0.00379; TOPMed 0.00396; 1000 Genomes Project 30x 0.00406.

Submissions (7):

Labcorp Genetics (formerly Invitae), Labcorp
Classification: Benign for Charcot-Marie-Tooth disease type 2E. Last evaluated: 2026-01-06. Review status: criteria provided, single submitter. Criteria: Invitae Variant Classification Sherloc (09022015). Collection method: clinical testing. Allele origin: germline.

PreventionGenetics, part of Exact Sciences
Classification: Benign for NEFL-related condition. Last evaluated: 2025-02-17. Review status: criteria provided, single submitter. Criteria: ACMG Guidelines, 2015. Collection method: clinical testing. Allele origin: germline.
Comment: This variant is classified as benign based on ACMG/AMP sequence variant interpretation guidelines (Richards et al. 2015 PMID: 25741868, with internal and published modifications).

Blueprint Genetics
Classification: Likely benign. Last evaluated: 2024-11-25. Review status: criteria provided, single submitter. Criteria: ACMG Guidelines, 2015. Collection method: clinical testing. Allele origin: germline.

Mayo Clinic Laboratories, Mayo Clinic
Classification: Benign. Last evaluated: 2023-04-06. Review status: criteria provided, single submitter. Criteria: ACMG Guidelines, 2015. Collection method: clinical testing. Allele origin: germline. Observed: 4 variant alleles.

GeneDx
Classification: Benign. Last evaluated: 2019-09-16. Review status: criteria provided, single submitter. Criteria: GeneDx Variant Classification Process June 2021. Collection method: clinical testing. Allele origin: germline. Affected: yes.

Eurofins Ntd Llc (ga)
Classification: Likely benign. Last evaluated: 2017-04-20. Review status: criteria provided, single submitter. Criteria: EGL Classification Definitions 2015. Collection method: clinical testing. Allele origin: germline. Observed: 1 variant allele, 1 heterozygote.

Dr. Peter K. Rogan Lab, Western University
No classification provided (evidence only). Condition: Malignant tumor of esophagus. Review status: no classification provided. Collection method: in vitro. Allele origin: not applicable. Functional consequence: retained intron. Not counted in ClinVar's aggregate classification.